The following is an entry in ClinVar:

NM_006073.4(TRDN):c.2050+2_2050+16delinsATTATT

Gene: TRDN (triadin; minus strand). Cytogenetic location: 6q22.31.
Variant type: Indel.
Coding change: c.2050+2_2050+16delinsATTATT on transcript NM_006073.4 (MANE Select); the canonical splice donor site of the intron after coding-DNA position 2050 through 16 bases into the intron after coding-DNA position 2050, TAAGTTTATAATGAG replaced by ATTATT.
Molecular consequence: splice donor variant.
Genome position (GRCh38, 1-based): chr6:123,221,471-123,221,485, CTCATTATAAACTTA replaced by AATAAT on the plus strand (TAAGTTTATAATGAG replaced by ATTATT on the coding strand, the reverse complement: TRDN is on the minus strand). VCF-style: chr6-123221471-CTCATTATAAACTTA-AATAAT. GRCh37 (hg19) VCF-style: chr6-123542616-CTCATTATAAACTTA-AATAAT.
Identifiers: ClinVar variation 1785058 (VCV001785058.2), dbSNP rs2534845279, ClinGen allele CA2580074847.
Genomic context (GRCh38, chr6:123,221,471, plus strand): 5'-AGTCTAACATTTTTACATAGATGTAGCATCTTTAATACAGAATGATTTATTACTTTTAAT[CTCATTATAAACTTA>AATAAT]CTTTTCTGCTTTGTGGGAGACACATCTTCAGTTCCTTCTAGTGGATAAAAAATATAAAAG-3'

ClinVar aggregate classification (germline): Uncertain significance (1 of 4 stars; one submission).

Conditions:
Cardiovascular phenotype. Identifiers: MedGen CN230736.

Submission:

Ambry Genetics
Classification: Uncertain significance for Cardiovascular phenotype. Last evaluated: 2022-03-28. Review status: criteria provided, single submitter. Criteria: Ambry Variant Classification Scheme 2023. Collection method: clinical testing. Allele origin: germline.
Comment: The c.2050+2_2050+16del15insATTATT intronic variant, located in intron 40 of the TRDN gene, results from an in-frame deletion of 15 nucleotides and the insertion of 6 nucleotides at positions 2050+2 to 2050+16. This alteration occurs at the 3' terminus of the TRDN gene and is not expected to trigger nonsense-mediated mRNA decay. The exact functional effect of this alteration is unknown. This nucleotide region is not well conserved in available vertebrate species. Using the BDGP and ESEfinder splice site prediction tools, this alteration is predicted to abolish the native donor splice site; however, direct evidence is unavailable and this alteration does not impact the predominant cardiac isoform of TRDN (NM_001256021.1; Kobayashi YM et al. J. Biol. Chem., 1999 Oct;274:28660-8). Since supporting evidence is limited at this time, the clinical significance of this alteration remains unclear.